The following is an entry in ClinVar:

NM_006514.4(SCN10A):c.570C>A (p.Asn190Lys)

Gene: SCN10A (sodium voltage-gated channel alpha subunit 10; minus strand). Cytogenetic location: 3p22.2.
Variant type: single nucleotide variant.
Coding change: c.570C>A on transcript NM_006514.4 (MANE Select); coding-DNA position 570, C replaced by A.
Protein change: p.Asn190Lys; replaces asparagine 190 with lysine.
Molecular consequence: missense variant.
Genome position (GRCh38, 1-based): chr3:38,771,308, G>T on the plus strand (C>A on the coding strand, the complement: SCN10A is on the minus strand). VCF-style: chr3-38771308-G-T. GRCh37 (hg19) VCF-style: chr3-38812799-G-T.
Other names: c.570C>A, p.Asn190Lys (NM_001293306.2, NM_001293307.2); c.570C>A (NM_006514.2); short protein forms N190K.
Identifiers: ClinVar variation 1412154 (VCV001412154.7), dbSNP rs766854459, ClinGen allele CA2321162.
Genomic context (GRCh38, chr3:38,771,308, plus strand): 5'-CACATGCAGATCTGCATAGAGATATACTCACGCCAGGGTAATGACGCTAAAATCCAGCCA[G>T]TTCCAAGGATCTCTCAGGTACGTGAACTCATTTAGACAAAATCCTCTTGCCAGTATCTTT-3'
Protein context (NP_006505.4, residues 180-200): NEFTYLRDPW[Asn190Lys]WLDFSVITLA

ClinVar aggregate classification (germline): Uncertain significance. Review status: criteria provided, multiple submitters, no conflicts (2 of 4 stars). 2 submissions from 2 submitters: Uncertain significance (2). Last evaluated 2025-10-15.

Conditions:
Cardiovascular phenotype. Identifiers: MedGen CN230736.
Brugada syndrome. Also called: Sudden Unexplained Death Syndrome; Sudden unexpected nocturnal death syndrome; Sudden unexplained nocturnal death syndrome; Sudden Unexplained Nocturnal Death Syndrome (SUNDS). Identifiers: Orphanet 130, MedGen C1142166, MONDO:0015263.

Allele frequency attached by ClinVar (database versions not stated): gnomAD exomes 0.00001.
gnomAD v4.1: 3 of 1,614,118 alleles (0.00019%); highest among the groups gnomAD compares: South Asian, 0.0033%; no homozygotes.

Submissions (2):

Ambry Genetics
Classification: Uncertain significance for Cardiovascular phenotype. Last evaluated: 2025-10-15. Review status: criteria provided, single submitter. Criteria: Ambry Variant Classification Scheme 2023. Collection method: clinical testing. Allele origin: germline.

Labcorp Genetics (formerly Invitae), Labcorp
Classification: Uncertain significance for Brugada syndrome. Last evaluated: 2021-11-14. Review status: criteria provided, single submitter. Criteria: Invitae Variant Classification Sherloc (09022015). Collection method: clinical testing. Allele origin: germline.
Comment: In summary, the available evidence is currently insufficient to determine the role of this variant in disease. Therefore, it has been classified as a Variant of Uncertain Significance. Advanced modeling of protein sequence and biophysical properties (such as structural, functional, and spatial information, amino acid conservation, physicochemical variation, residue mobility, and thermodynamic stability) performed at Invitae indicates that this missense variant is expected to disrupt SCN10A protein function. This variant has not been reported in the literature in individuals affected with SCN10A-related conditions. This variant is present in population databases (rs766854459, gnomAD 0.01%). This sequence change replaces asparagine, which is neutral and polar, with lysine, which is basic and polar, at codon 190 of the SCN10A protein (p.Asn190Lys).